The following is an entry in ClinVar:

ClinVar aggregate classification (germline): Uncertain significance. Review status: criteria provided, multiple submitters, no conflicts (2 of 4 stars). 2 submissions from 2 submitters: Uncertain significance (2). Last evaluated 2025-11-03.

Conditions:
MHC class II deficiency. Also called: Bare lymphocyte syndrome 2; BLS, TYPE II. Identifiers: Orphanet 572, MedGen C5447452, MONDO:0008855.
Inborn genetic diseases. Identifiers: MedGen C0950123, MeSH D030342.

Allele frequency attached by ClinVar (database versions not stated): gnomAD 0.00009; TOPMed 0.00011; ESP Exome Variant Server 0.00015; ExAC 0.00002.
gnomAD v4.1: 29 of 1,613,772 alleles (0.0018%); highest among the groups gnomAD compares: African/African-American, 0.031%; no homozygotes.

Submissions (2):

Labcorp Genetics (formerly Invitae), Labcorp
Classification: Uncertain significance for MHC class II deficiency. Last evaluated: 2025-11-03. Review status: criteria provided, single submitter. Criteria: Invitae Variant Classification Sherloc (09022015). Collection method: clinical testing. Allele origin: germline.
Comment: This sequence change replaces isoleucine, which is neutral and non-polar, with threonine, which is neutral and polar, at codon 62 of the CIITA protein (p.Ile62Thr). This variant is present in population databases (rs369154563, gnomAD 0.03%). This variant has not been reported in the literature in individuals affected with CIITA-related conditions. ClinVar contains an entry for this variant (Variation ID: 2196277). An algorithm developed to predict the effect of missense changes on protein structure and function outputs the following: PolyPhen-2: "Benign". The threonine amino acid residue is found in multiple mammalian species, which suggests that this missense change does not adversely affect protein function. In summary, the available evidence is currently insufficient to determine the role of this variant in disease. Therefore, it has been classified as a Variant of Uncertain Significance.

Ambry Genetics
Classification: Uncertain significance for Inborn genetic diseases. Last evaluated: 2023-12-27. Review status: criteria provided, single submitter. Criteria: Ambry Variant Classification Scheme 2023. Collection method: clinical testing. Allele origin: germline.

NM_000246.4(CIITA):c.185T>C (p.Ile62Thr)

Gene: CIITA (class II major histocompatibility complex transactivator; plus strand). Cytogenetic location: 16p13.13.
Variant type: single nucleotide variant.
Coding change: c.185T>C on transcript NM_000246.4 (MANE Select); coding-DNA position 185, T replaced by C.
Protein change: p.Ile62Thr; replaces isoleucine 62 with threonine.
Molecular consequence: missense variant. On other transcripts: non-coding transcript variant (1).
Genome position (GRCh38, 1-based): chr16:10,895,414, T>C. VCF-style: chr16-10895414-T-C. GRCh37 (hg19) VCF-style: chr16-10989271-T-C.
Other names: c.185T>C, p.Ile62Thr (NM_001286402.1, NM_001286403.2, NM_001379330.1 and 3 more transcripts); c.113T>C, p.Ile38Thr (NM_001379334.1); short protein forms I38T, I62T.
Identifiers: ClinVar variation 2196277 (VCV002196277.3), dbSNP rs369154563, ClinGen allele CA7899594.